The following is an entry in ClinVar:

ClinVar aggregate classification (germline): Likely benign (0 of 4 stars; one submission).

Conditions:
TBC1D5-related disorder. Also called: TBC1D5-related condition.

Allele frequency attached by ClinVar (database versions not stated): 1000 Genomes Project 0.00699; 1000 Genomes Project 30x 0.00828.
gnomAD v4.1: 2,364 of 152,158 alleles (1.6%); highest among the groups gnomAD compares: Non-Finnish European, 2.8%; 34 homozygotes.

Submission:

PreventionGenetics, part of Exact Sciences
Classification: Likely benign for TBC1D5-related condition. Last evaluated: 2022-02-21. Review status: no assertion criteria provided. Collection method: clinical testing. Allele origin: germline.
Comment: This variant is classified as likely benign based on ACMG/AMP sequence variant interpretation guidelines (Richards et al. 2015 PMID: 25741868, with internal and published modifications).

NM_001349074.2(TBC1D5):c.97+29078G>C

Gene: TBC1D5 (TBC1 domain family member 5; minus strand). Cytogenetic location: 3p24.3.
Variant type: single nucleotide variant.
Coding change: c.97+29078G>C on transcript NM_001349074.2 (MANE Select); 29078 bases into the intron after coding-DNA position 97, G replaced by C.
Molecular consequence: intron variant. On other transcripts: splice acceptor variant (1).
Genome position (GRCh38, 1-based): chr3:17,479,396, C>G on the plus strand (G>C on the coding strand, the complement: TBC1D5 is on the minus strand). VCF-style: chr3-17479396-C-G. GRCh37 (hg19) VCF-style: chr3-17520888-C-G.
Other names: c.97+29078G>C (NM_001349077.2, NM_001349078.2, NM_001349079.2 and 6 more transcripts); c.-242+29078G>C (NM_001349087.2, NM_001349083.2, NM_001349090.2 and 6 more transcripts); c.-409-21G>C (NM_001349085.2); c.1-1G>C (NM_001349081.2).
Identifiers: ClinVar variation 3042190 (VCV003042190.2), dbSNP rs7628126, ClinGen allele CA15250917.